The following is an entry in ClinVar:

ClinVar aggregate classification (germline): Uncertain significance. Review status: criteria provided, multiple submitters, no conflicts (2 of 4 stars). 2 submissions from 2 submitters: Uncertain significance (2). Last evaluated 2025-11-20.

Conditions:
Joubert syndrome. Also called: Familial aplasia of the vermis; JOUBERT-BOLTSHAUSER SYNDROME. Identifiers: Orphanet 475, MedGen C5979921, MONDO:0018772.
Joubert syndrome 3 (JBTS3). Also called: AHI1-related Ciliopathy. Identifiers: Orphanet 220493, MedGen C1837713, MONDO:0012078, OMIM 608629.

gnomAD v4.1: 1 of 1,613,966 alleles (0.000062%); highest among the groups gnomAD compares: Admixed American, 0.0017%; no homozygotes.

Submissions (2):

Myriad Genetics, Inc.
Classification: Uncertain significance for Joubert syndrome 3. Last evaluated: 2025-11-20. Review status: criteria provided, single submitter. Criteria: Myriad Autosomal Dominant, Autosomal Recessive and X-Linked Classification Criteria (2023). Collection method: clinical testing. Allele origin: unknown.
Comment: NM_001134831.1(AHI1):c.259A>T(T87S) is a missense variant classified as a variant of uncertain significance in the context of Joubert syndrome, AHI1-related. T87S has not been observed in cases with relevant disease. Relevant functional assessments of this variant are not available in the literature. T87S has not been observed in referenced population frequency databases. In summary, there is insufficient evidence to classify NM_001134831.1(AHI1):c.259A>T(T87S) as pathogenic or benign. Please note: this variant was assessed in the context of healthy population screening.

Labcorp Genetics (formerly Invitae), Labcorp
Classification: Uncertain significance for Joubert syndrome. Last evaluated: 2025-01-27. Review status: criteria provided, single submitter. Criteria: Invitae Variant Classification Sherloc (09022015). Collection method: clinical testing. Allele origin: germline.
Comment: This sequence change replaces threonine, which is neutral and polar, with serine, which is neutral and polar, at codon 87 of the AHI1 protein (p.Thr87Ser). This variant is not present in population databases (gnomAD no frequency). This variant has not been reported in the literature in individuals affected with AHI1-related conditions. Invitae Evidence Modeling of protein sequence and biophysical properties (such as structural, functional, and spatial information, amino acid conservation, physicochemical variation, residue mobility, and thermodynamic stability) indicates that this missense variant is not expected to disrupt AHI1 protein function with a negative predictive value of 95%. In summary, the available evidence is currently insufficient to determine the role of this variant in disease. Therefore, it has been classified as a Variant of Uncertain Significance.

NM_001134831.2(AHI1):c.259A>T (p.Thr87Ser)

Gene: AHI1 (Abelson helper integration site 1; minus strand). Cytogenetic location: 6q23.3.
Variant type: single nucleotide variant.
Coding change: c.259A>T on transcript NM_001134831.2 (MANE Select); coding-DNA position 259, A replaced by T.
Protein change: p.Thr87Ser; replaces threonine 87 with serine.
Molecular consequence: missense variant.
Genome position (GRCh38, 1-based): chr6:135,466,304, T>A on the plus strand (A>T on the coding strand, the complement: AHI1 is on the minus strand). VCF-style: chr6-135466304-T-A. GRCh37 (hg19) VCF-style: chr6-135787442-T-A.
Other names: c.259A>T, p.Thr87Ser (NM_001134830.2, NM_001134832.2, NM_001350503.2 and 2 more transcripts); short protein forms T87S.
Identifiers: ClinVar variation 3628075 (VCV003628075.2).